The following is an entry in ClinVar:

ClinVar aggregate classification (germline): Uncertain significance. Review status: criteria provided, multiple submitters, no conflicts (2 of 4 stars). 3 submissions from 3 submitters: Uncertain significance (3). Last evaluated 2024-06-13.

Conditions:
Juvenile polyposis syndrome (JPS). Identifiers: Orphanet 2929, MedGen C0345893, MONDO:0017380, OMIM 174900.
Polyposis syndrome, hereditary mixed, 2. Identifiers: Orphanet 157794, MedGen C1864730, MONDO:0012405, OMIM 610069.

Submissions (3):

Labcorp Genetics (formerly Invitae), Labcorp
Classification: Uncertain significance for Juvenile polyposis syndrome. Last evaluated: 2024-06-13. Review status: criteria provided, single submitter. Criteria: Invitae Variant Classification Sherloc (09022015). Collection method: clinical testing. Allele origin: germline.
Comment: This sequence change replaces threonine, which is neutral and polar, with serine, which is neutral and polar, at codon 391 of the BMPR1A protein (p.Thr391Ser). This variant is not present in population databases (gnomAD no frequency). This variant has not been reported in the literature in individuals affected with BMPR1A-related conditions. ClinVar contains an entry for this variant (Variation ID: 460475). Advanced modeling performed at Invitae incorporating data from internal and/or published experimental studies (Invitae) indicates that this missense variant is not expected to disrupt BMPR1A function with a negative predictive value of 95%. In summary, the available evidence is currently insufficient to determine the role of this variant in disease. Therefore, it has been classified as a Variant of Uncertain Significance.

All of Us Research Program, National Institutes of Health
Classification: Uncertain significance for Juvenile polyposis syndrome. Last evaluated: 2023-09-17. Review status: criteria provided, single submitter. Criteria: ACMG Guidelines, 2015. Collection method: clinical testing. Allele origin: germline. Inheritance: Autosomal dominant inheritance. Observed: 1 variant allele, 1 heterozygote.
Comment: This missense variant replaces threonine with serine at codon 391 of the BMPR1A protein. Computational prediction suggests that this variant may not impact protein structure and function (internally defined REVEL score threshold <= 0.5, PMID: 27666373). To our knowledge, functional studies have not been reported for this variant. This variant has not been reported in individuals affected with BMPR1A-related disorders in the literature. This variant has not been identified in the general population by the Genome Aggregation Database (gnomAD). The available evidence is insufficient to determine the role of this variant in disease conclusively. Therefore, this variant is classified as a Variant of Uncertain Significance.

This study involves interpretation of variants in research participants for the purpose of population health screening. Participant phenotype was not available at the time of variant classification. Additional details can be found in publication PMID: 35346344, PMCID: PMC8962531

Baylor Genetics
Classification: Uncertain significance for Polyposis syndrome, hereditary mixed, 2. Last evaluated: 2023-07-19. Review status: criteria provided, single submitter. Criteria: ACMG Guidelines, 2015. Collection method: clinical testing. Allele origin: unknown.

NM_004329.3(BMPR1A):c.1171A>T (p.Thr391Ser)

Gene: BMPR1A (bone morphogenetic protein receptor type 1A; plus strand). Cytogenetic location: 10q23.2.
Variant type: single nucleotide variant.
Coding change: c.1171A>T on transcript NM_004329.3 (MANE Select); coding-DNA position 1171, A replaced by T.
Protein change: p.Thr391Ser; replaces threonine 391 with serine.
Molecular consequence: missense variant.
Genome position (GRCh38, 1-based): chr10:86,921,524, A>T. VCF-style: chr10-86921524-A-T. GRCh37 (hg19) VCF-style: chr10-88681281-A-T.
Other names: short protein forms T391S.
Identifiers: ClinVar variation 460475 (VCV000460475.12), dbSNP rs1554891310, ClinGen allele CA377461817.